The following is an entry in ClinVar:

NM_001378454.1(ALMS1):c.7901A>G (p.Asp2634Gly)

Gene: ALMS1 (ALMS1 centrosome and basal body associated protein; plus strand). Cytogenetic location: 2p13.1.
Variant type: single nucleotide variant.
Coding change: c.7901A>G on transcript NM_001378454.1 (MANE Select); coding-DNA position 7901, A replaced by G.
Protein change: p.Asp2634Gly; replaces aspartic acid 2634 with glycine.
Molecular consequence: missense variant.
Genome position (GRCh38, 1-based): chr2:73,489,860, A>G. VCF-style: chr2-73489860-A-G. GRCh37 (hg19) VCF-style: chr2-73716987-A-G.
Other names: c.7904A>G, p.Asp2635Gly (NM_015120.4); short protein forms D2635G, D2634G.
Identifiers: ClinVar variation 1468090 (VCV001468090.3), dbSNP rs1368206928, ClinGen allele CA347266244.

ClinVar aggregate classification (germline): Uncertain significance (1 of 4 stars; one submission).

Conditions:
Alstrom syndrome (ALMS). Identifiers: Orphanet 64, MedGen C0268425, MONDO:0008763, OMIM 203800.

Allele frequency attached by ClinVar (database versions not stated): gnomAD exomes below 0.00001.
gnomAD v4.1: 2 of 1,614,166 alleles (0.00012%); highest among the groups gnomAD compares: Non-Finnish European, 0.00017%; no homozygotes.

Submission:

Labcorp Genetics (formerly Invitae), Labcorp
Classification: Uncertain significance for Alstrom syndrome. Last evaluated: 2022-10-13. Review status: criteria provided, single submitter. Criteria: Invitae Variant Classification Sherloc (09022015). Collection method: clinical testing. Allele origin: germline.
Comment: This sequence change replaces aspartic acid, which is acidic and polar, with glycine, which is neutral and non-polar, at codon 2635 of the ALMS1 protein (p.Asp2635Gly). This variant is not present in population databases (gnomAD no frequency). This variant has not been reported in the literature in individuals affected with ALMS1-related conditions. ClinVar contains an entry for this variant (Variation ID: 1468090). Experimental studies and prediction algorithms are not available or were not evaluated, and the functional significance of this variant is currently unknown. In summary, the available evidence is currently insufficient to determine the role of this variant in disease. Therefore, it has been classified as a Variant of Uncertain Significance.